The following is an entry in ClinVar:

NM_145239.3(PRRT2):c.618A>T (p.Lys206Asn)

Genes: MVP-DT (MVP divergent transcript; minus strand), PRRT2 (proline rich transmembrane protein 2; plus strand). Cytogenetic location: 16p11.2.
Variant type: single nucleotide variant.
Coding change: c.618A>T on transcript NM_145239.3 (MANE Select); coding-DNA position 618, A replaced by T.
Protein change: p.Lys206Asn; replaces lysine 206 with asparagine.
Molecular consequence: missense variant.
Genome position (GRCh38, 1-based): chr16:29,813,672, A>T. VCF-style: chr16-29813672-A-T. GRCh37 (hg19) VCF-style: chr16-29824993-A-T.
Other names: c.618A>T, p.Lys206Asn (NM_001256442.2, NM_001256443.2); c.618A>T (NM_145239.2); short protein forms K206N.
Identifiers: ClinVar variation 502287 (VCV000502287.6), dbSNP rs1555502715, ClinGen allele CA395479090.

ClinVar aggregate classification (germline): Uncertain significance. Review status: criteria provided, multiple submitters, no conflicts (2 of 4 stars). 2 submissions from 2 submitters: Uncertain significance (2). Last evaluated 2025-01-15.

Allele frequency attached by ClinVar (database versions not stated): gnomAD exomes below 0.00001.

Submissions (2):

GeneDx
Classification: Uncertain significance. Last evaluated: 2025-01-15. Review status: criteria provided, single submitter. Criteria: GeneDx Variant Classification Process June 2021. Collection method: clinical testing. Allele origin: germline. Affected: yes.
Comment: Not observed at significant frequency in large population cohorts (gnomAD); In silico analysis indicates that this missense variant does not alter protein structure/function; Has not been previously published as pathogenic or benign to our knowledge

Eurofins Ntd Llc (ga)
Classification: Uncertain significance. Last evaluated: 2017-05-26. Review status: criteria provided, single submitter. Criteria: EGL Classification Definitions 2015. Collection method: clinical testing. Allele origin: germline. Observed: 1 variant allele, 1 heterozygote.